The following is an entry in ClinVar:

NM_000135.4(FANCA):c.2778+1G>C

Gene: FANCA (FA complementation group A; minus strand). Cytogenetic location: 16q24.3.
Variant type: single nucleotide variant.
Coding change: c.2778+1G>C on transcript NM_000135.4 (MANE Select); the canonical splice donor site of the intron after coding-DNA position 2778, G replaced by C.
Molecular consequence: splice donor variant.
Genome position (GRCh38, 1-based): chr16:89,764,889, C>G on the plus strand (G>C on the coding strand, the complement: FANCA is on the minus strand). VCF-style: chr16-89764889-C-G. GRCh37 (hg19) VCF-style: chr16-89831297-C-G.
Other names: c.2778+1G>C (NM_001286167.3).
Identifiers: ClinVar variation 974340 (VCV000974340.8), dbSNP rs140180549, ClinGen allele CA397437784.

ClinVar aggregate classification (germline): Pathogenic. Review status: criteria provided, single submitter (1 of 4 stars). 2 submissions from 2 submitters: Pathogenic (1). 1 of the submissions does not count toward it. Last evaluated 2020-01-31.

Conditions:
Fanconi anemia (FA). Also called: Fanconi's anemia. Identifiers: Orphanet 84, MedGen C0015625, MeSH D005199, MONDO:0019391.
Fanconi anemia complementation group A (FANCA). Also called: Fanconi anemia, group A; FANCA-Related Fanconi Anemia. Identifiers: Orphanet 84, MedGen C3469521, MONDO:0009215, OMIM 227650.

Submissions (2):

Labcorp Genetics (formerly Invitae), Labcorp
Classification: Pathogenic for Fanconi anemia. Last evaluated: 2020-01-31. Review status: criteria provided, single submitter. Criteria: Invitae Variant Classification Sherloc (09022015). Collection method: clinical testing. Allele origin: germline.
Comment: This variant is not present in population databases (ExAC no frequency). This sequence change affects a donor splice site in intron 28 of the FANCA gene. It is expected to disrupt RNA splicing and likely results in an absent or disrupted protein product. Experimental studies have shown that disruption of this splice site affects mRNA splicing (PMID: 24584348). For these reasons, this variant has been classified as Pathogenic. Donor and acceptor splice site variants typically lead to a loss of protein function (PMID: 16199547), and loss-of-function variants in FANCA are known to be pathogenic (PMID: 19367192). Disruption of this splice site has been observed in individual(s) with Fanconi anemia (PMID: 23067021, 24584348).

Leiden Open Variation Database
Classification: Pathogenic for Fanconi anemia complementation group A. Last evaluated: 2020-02-28. Review status: no assertion criteria provided. Collection method: curation. Allele origin: germline. Affected: yes. Not counted in ClinVar's aggregate classification.
Comment: Curator: Arleen D. Auerbach. Submitter to LOVD: Myungshin Kim.

Literature cited by the submitters: PubMed 24584348 (cited by Labcorp Genetics (formerly Invitae), Labcorp); PubMed 16199547 (cited by Labcorp Genetics (formerly Invitae), Labcorp); PubMed 19367192 (cited by Labcorp Genetics (formerly Invitae), Labcorp); PubMed 23067021 (cited by Labcorp Genetics (formerly Invitae), Labcorp).